The following is an entry in ClinVar:

ClinVar aggregate classification (germline): Conflicting classifications of pathogenicity. Review status: criteria provided, conflicting classifications (1 of 4 stars). 3 submissions from 3 submitters: Likely pathogenic (1); Uncertain significance (2). Last evaluated 2025-08-21.

Conditions:
Glaucoma 1, open angle, E. Identifiers: MedGen C1842026, MONDO:0007665.
Primary open angle glaucoma (POAG). Also called: OPTN-related open angle glaucoma. Identifiers: MedGen C0339573, MONDO:0100553, OMIM 137760.
Amyotrophic lateral sclerosis type 12 (ALS12). Also called: AMYOTROPHIC LATERAL SCLEROSIS 12 WITH OR WITHOUT FRONTOTEMPORAL DEMENTIA. Identifiers: Orphanet 803, MedGen C3150692, MONDO:0013264, OMIM 613435.
Motor neuron disease. Also called: Degenerative motor system disease; Motor neuron disorder. Identifiers: Orphanet 98503, MedGen C0085084, MONDO:0020128.

Allele frequency attached by ClinVar (database versions not stated): TOPMed below 0.00001; gnomAD 0.00001; gnomAD exomes 0.00001.

Submissions (3):

Labcorp Genetics (formerly Invitae), Labcorp
Classification: Uncertain significance for Primary open angle glaucoma; Glaucoma 1, open angle, E; Amyotrophic lateral sclerosis type 12. Last evaluated: 2025-08-21. Review status: criteria provided, single submitter. Criteria: Invitae Variant Classification Sherloc (09022015). Collection method: clinical testing. Allele origin: germline.
Comment: This sequence change replaces lysine, which is basic and polar, with glutamine, which is neutral and polar, at codon 94 of the OPTN protein (p.Lys94Gln). This variant is present in population databases (no rsID available, gnomAD 0.0009%). This variant has not been reported in the literature in individuals affected with OPTN-related conditions. ClinVar contains an entry for this variant (Variation ID: 266059). Invitae Evidence Modeling of protein sequence and biophysical properties (such as structural, functional, and spatial information, amino acid conservation, physicochemical variation, residue mobility, and thermodynamic stability) indicates that this missense variant is not expected to disrupt OPTN protein function with a negative predictive value of 80%. In summary, the available evidence is currently insufficient to determine the role of this variant in disease. Therefore, it has been classified as a Variant of Uncertain Significance.

Blueprint Genetics
Classification: Uncertain significance. Last evaluated: 2024-06-27. Review status: criteria provided, single submitter. Criteria: ACMG Guidelines, 2015. Collection method: clinical testing. Allele origin: germline.

Centre for Genomic and Experimental Medicine, University of Edinburgh
Classification: Likely pathogenic for Motor neuron disease. Last evaluated: 2016-08-31. Review status: criteria provided, single submitter. Criteria: Submitter's publication. Collection method: case-control. Allele origin: unknown. Affected: no. Observed: 1 heterozygote.

Literature cited by the submitters: PubMed 28089114 (cited by Centre for Genomic and Experimental Medicine, University of Edinburgh).

NM_001008212.2(OPTN):c.280A>C (p.Lys94Gln)

Genes: OPTN (optineurin; plus strand), LOC108903148 (10p13 OPTN distal Alu-mediated recombination region; plus strand). Cytogenetic location: 10p13.
Variant type: single nucleotide variant.
Coding change: c.280A>C on transcript NM_001008212.2 (MANE Select); coding-DNA position 280, A replaced by C.
Protein change: p.Lys94Gln; replaces lysine 94 with glutamine.
Molecular consequence: missense variant.
Genome position (GRCh38, 1-based): chr10:13,110,387, A>C. VCF-style: chr10-13110387-A-C. GRCh37 (hg19) VCF-style: chr10-13152387-A-C.
Other names: c.280A>C, p.Lys94Gln (NM_001008211.1, NM_001008213.1, NM_021980.4); short protein forms K94Q.
Identifiers: ClinVar variation 266059 (VCV000266059.3), dbSNP rs895824243, ClinGen allele CA203255197.